The following is an entry in ClinVar:

NM_005257.6(GATA6):c.1025G>A (p.Gly342Glu)

Gene: GATA6 (GATA binding protein 6; plus strand). Cytogenetic location: 18q11.2.
Variant type: single nucleotide variant.
Coding change: c.1025G>A on transcript NM_005257.6 (MANE Select); coding-DNA position 1025, G replaced by A.
Protein change: p.Gly342Glu; replaces glycine 342 with glutamic acid.
Molecular consequence: missense variant.
Genome position (GRCh38, 1-based): chr18:22,172,169, G>A. VCF-style: chr18-22172169-G-A. GRCh37 (hg19) VCF-style: chr18-19752130-G-A.
Other names: short protein forms G342E.
Identifiers: ClinVar variation 953395 (VCV000953395.9), dbSNP rs1433160408, ClinGen allele CA401801650.

ClinVar aggregate classification (germline): Uncertain significance (1 of 4 stars; one submission).

Conditions:
Atrioventricular septal defect 5 (AVSD5). Identifiers: MedGen C3280939, MONDO:0013769, OMIM 614474.

Submission:

Labcorp Genetics (formerly Invitae), Labcorp
Classification: Uncertain significance for Atrioventricular septal defect 5. Last evaluated: 2019-09-28. Review status: criteria provided, single submitter. Criteria: Invitae Variant Classification Sherloc (09022015). Collection method: clinical testing. Allele origin: germline.
Comment: In summary, the available evidence is currently insufficient to determine the role of this variant in disease. Therefore, it has been classified as a Variant of Uncertain Significance. Algorithms developed to predict the effect of missense changes on protein structure and function are either unavailable or do not agree on the potential impact of this missense change (SIFT: "Tolerated"; PolyPhen-2: "Possibly Damaging"; Align-GVGD: "Class C0"). This variant has not been reported in the literature in individuals with GATA6-related conditions. The frequency data for this variant in the population databases is considered unreliable, as metrics indicate insufficient coverage at this position in the ExAC database. This sequence change replaces glycine with glutamic acid at codon 342 of the GATA6 protein (p.Gly342Glu). The glycine residue is weakly conserved and there is a moderate physicochemical difference between glycine and glutamic acid.